The following is an entry in ClinVar:

NM_005732.4(RAD50):c.2821C>A (p.Gln941Lys)

Gene: RAD50 (RAD50 double strand break repair protein; plus strand). Cytogenetic location: 5q31.1.
Variant type: single nucleotide variant.
Coding change: c.2821C>A on transcript NM_005732.4 (MANE Select); coding-DNA position 2821, C replaced by A.
Protein change: p.Gln941Lys; replaces glutamine 941 with lysine.
Molecular consequence: missense variant.
Genome position (GRCh38, 1-based): chr5:132,608,717, C>A. VCF-style: chr5-132608717-C-A. GRCh37 (hg19) VCF-style: chr5-131944409-C-A.
Other names: short protein forms Q941K.
Identifiers: ClinVar variation 1015936 (VCV001015936.11), dbSNP rs397507177, ClinGen allele CA360959221.
Genomic context (GRCh38, chr5:132,608,717, plus strand): 5'-AAGTTCCAGCAAGAAAAAGAAGAATTAATCAACAAAAAAAATACAAGCAACAAAATAGCA[C>A]AGGATAAAGTAAGATTTCATTTATATATTTACTTATCAAATATCTGTATTAAACTTATGT-3'
Protein context (NP_005723.2, residues 931-951): NKKNTSNKIA[Gln941Lys]DKLNDIKEKV

ClinVar aggregate classification (germline): Uncertain significance. Review status: criteria provided, multiple submitters, no conflicts (2 of 4 stars). 2 submissions from 2 submitters: Uncertain significance (2). Last evaluated 2021-12-04.

Conditions:
Hereditary cancer-predisposing syndrome. Also called: Hereditary Cancer Syndrome; Tumor predisposition; Neoplastic Syndromes, Hereditary; Hereditary neoplastic syndrome. Identifiers: Orphanet 140162, MedGen C0027672, MeSH D009386, MONDO:0015356.

Submissions (2):

Ambry Genetics
Classification: Uncertain significance for Hereditary cancer-predisposing syndrome. Last evaluated: 2021-12-04. Review status: criteria provided, single submitter. Criteria: Ambry Variant Classification Scheme 2023. Collection method: clinical testing. Allele origin: germline.
Comment: The p.Q941K variant (also known as c.2821C>A), located in coding exon 17 of the RAD50 gene, results from a C to A substitution at nucleotide position 2821. The glutamine at codon 941 is replaced by lysine, an amino acid with similar properties. This amino acid position is conserved. In addition, this alteration is predicted to be tolerated by in silico analysis. Since supporting evidence is limited at this time, the clinical significance of this alteration remains unclear.

Labcorp Genetics (formerly Invitae), Labcorp
Classification: Uncertain significance for Hereditary cancer-predisposing syndrome. Last evaluated: 2020-07-21. Review status: criteria provided, single submitter. Criteria: Invitae Variant Classification Sherloc (09022015). Collection method: clinical testing. Allele origin: germline.
Comment: In summary, the available evidence is currently insufficient to determine the role of this variant in disease. Therefore, it has been classified as a Variant of Uncertain Significance. This sequence change replaces glutamine with lysine at codon 941 of the RAD50 protein (p.Gln941Lys). The glutamine residue is highly conserved and there is a small physicochemical difference between glutamine and lysine. Algorithms developed to predict the effect of missense changes on protein structure and function (SIFT, PolyPhen-2, Align-GVGD) all suggest that this variant is likely to be tolerated, but these predictions have not been confirmed by published functional studies and their clinical significance is uncertain. This variant has not been reported in the literature in individuals with RAD50-related conditions. This variant is not present in population databases (ExAC no frequency).